The following is an entry in ClinVar:

NM_020921.4(NIN):c.3424C>T (p.His1142Tyr)

Gene: NIN (ninein; minus strand). Cytogenetic location: 14q22.1.
Variant type: single nucleotide variant.
Coding change: c.3424C>T on transcript NM_020921.4 (MANE Select); coding-DNA position 3424, C replaced by T.
Protein change: p.His1142Tyr; replaces histidine 1142 with tyrosine.
Molecular consequence: missense variant. On other transcripts: intron variant (1).
Genome position (GRCh38, 1-based): chr14:50,757,606, G>A on the plus strand (C>T on the coding strand, the complement: NIN is on the minus strand). VCF-style: chr14-50757606-G-A. GRCh37 (hg19) VCF-style: chr14-51224324-G-A.
Other names: c.3424C>T, p.His1142Tyr (NM_182944.3, NM_182946.2); c.2399+2251C>T (NM_016350.5); c.3424C>T (NM_020921.3); short protein forms H1142Y.
Identifiers: ClinVar variation 1940498 (VCV001940498.7), dbSNP rs1413804445, ClinGen allele CA389697602.

ClinVar aggregate classification (germline): Uncertain significance. Review status: criteria provided, multiple submitters, no conflicts (2 of 4 stars). 2 submissions from 2 submitters: Uncertain significance (2). Last evaluated 2023-04-25.

Allele frequency attached by ClinVar (database versions not stated): gnomAD exomes below 0.00001; TOPMed 0.00001.
gnomAD v4.1: 4 of 1,614,134 alleles (0.00025%); highest among the groups gnomAD compares: Non-Finnish European, 0.00025%; no homozygotes.

Submissions (2):

Ambry Genetics
Classification: Uncertain significance. Last evaluated: 2023-04-25. Review status: criteria provided, single submitter. Criteria: Ambry Variant Classification Scheme 2023. Collection method: clinical testing. Allele origin: germline.

Labcorp Genetics (formerly Invitae), Labcorp
Classification: Uncertain significance. Last evaluated: 2022-08-06. Review status: criteria provided, single submitter. Criteria: Invitae Variant Classification Sherloc (09022015). Collection method: clinical testing. Allele origin: germline.
Comment: This variant has not been reported in the literature in individuals affected with NIN-related conditions. This variant is present in population databases (no rsID available, gnomAD 0.01%). This sequence change replaces histidine, which is basic and polar, with tyrosine, which is neutral and polar, at codon 1142 of the NIN protein (p.His1142Tyr). Algorithms developed to predict the effect of missense changes on protein structure and function (SIFT, PolyPhen-2, Align-GVGD) all suggest that this variant is likely to be tolerated. In summary, the available evidence is currently insufficient to determine the role of this variant in disease. Therefore, it has been classified as a Variant of Uncertain Significance.